The following is an entry in ClinVar:

ClinVar aggregate classification (germline): Uncertain significance. Review status: criteria provided, multiple submitters, no conflicts (2 of 4 stars). 2 submissions from 2 submitters: Uncertain significance (2). Last evaluated 2025-06-11.

Conditions:
Hereditary cancer-predisposing syndrome. Also called: Neoplastic Syndromes, Hereditary; Tumor predisposition; Hereditary neoplastic syndrome; Hereditary Cancer Syndrome. Identifiers: Orphanet 140162, MedGen C0027672, MeSH D009386, MONDO:0015356.
BAP1-related tumor predisposition syndrome (TPDS1). Also called: BAP1 tumor predisposition syndrome; Tumor susceptibility linked to germline BAP1 mutations; TUMOR PREDISPOSITION SYNDROME 1; COMMON Syndrome. Identifiers: Orphanet 289539, MedGen C3280492, MONDO:0013692, OMIM 614327.

Submissions (2):

Labcorp Genetics (formerly Invitae), Labcorp
Classification: Uncertain significance for BAP1-related tumor predisposition syndrome. Last evaluated: 2025-06-11. Review status: criteria provided, single submitter. Criteria: Invitae Variant Classification Sherloc (09022015). Collection method: clinical testing. Allele origin: germline.
Comment: This sequence change replaces glutamic acid, which is acidic and polar, with lysine, which is basic and polar, at codon 283 of the BAP1 protein (p.Glu283Lys). This variant is not present in population databases (gnomAD no frequency). This variant has not been reported in the literature in individuals affected with BAP1-related conditions. ClinVar contains an entry for this variant (Variation ID: 2450446). Invitae Evidence Modeling of protein sequence and biophysical properties (such as structural, functional, and spatial information, amino acid conservation, physicochemical variation, residue mobility, and thermodynamic stability) indicates that this missense variant is not expected to disrupt BAP1 protein function with a negative predictive value of 80%. In summary, the available evidence is currently insufficient to determine the role of this variant in disease. Therefore, it has been classified as a Variant of Uncertain Significance.

Ambry Genetics
Classification: Uncertain significance for Hereditary cancer-predisposing syndrome. Last evaluated: 2023-03-06. Review status: criteria provided, single submitter. Criteria: Ambry Variant Classification Scheme 2023. Collection method: clinical testing. Allele origin: germline.
Comment: The p.E283K variant (also known as c.847G>A), located in coding exon 10 of the BAP1 gene, results from a G to A substitution at nucleotide position 847. The glutamic acid at codon 283 is replaced by lysine, an amino acid with similar properties. This amino acid position is conserved. In addition, the in silico prediction for this alteration is inconclusive. Since supporting evidence is limited at this time, the clinical significance of this alteration remains unclear.

NM_004656.4(BAP1):c.847G>A (p.Glu283Lys)

Gene: BAP1 (BRCA1 associated deubiquitinase 1; minus strand). Cytogenetic location: 3p21.1.
Variant type: single nucleotide variant.
Coding change: c.847G>A on transcript NM_004656.4 (MANE Select); coding-DNA position 847, G replaced by A.
Protein change: p.Glu283Lys; replaces glutamic acid 283 with lysine.
Molecular consequence: missense variant.
Genome position (GRCh38, 1-based): chr3:52,405,849, C>T on the plus strand (G>A on the coding strand, the complement: BAP1 is on the minus strand). VCF-style: chr3-52405849-C-T. GRCh37 (hg19) VCF-style: chr3-52439865-C-T.
Other names: c.793G>A, p.Glu265Lys (NM_001410772.1); short protein forms E265K, E283K.
Identifiers: ClinVar variation 2450446 (VCV002450446.3), dbSNP rs2153227254, ClinGen allele CA353106775.
Genomic context (GRCh38, chr3:52,405,849, plus strand): 5'-CAGGGGCCCTGTTTGCTTCCAGCACCAGCGGGGACTTGTTGCTGGCTGACTTGGACTCCT[C>T]AGGCAGCTGTGACTCTTGAGACTTGTGGGTCTGAATCAGCTCTGGCTGTGTTACTCTTAT-3'
Protein context (NP_004647.1, residues 273-293): THKSQESQLP[Glu283Lys]ESKSASNKSP